The following is an entry in ClinVar:

ClinVar aggregate classification (germline): Uncertain significance. Review status: criteria provided, multiple submitters, no conflicts (2 of 4 stars). 3 submissions from 3 submitters: Uncertain significance (3). Last evaluated 2025-03-04.

Conditions:
DICER1-related tumor predisposition. Also called: DICER1-related pleuropulmonary blastoma cancer predisposition syndrome; DICER1 syndrome. Identifiers: Orphanet 284343, MedGen C3839822, MONDO:0100216.
Hereditary cancer-predisposing syndrome. Also called: Neoplastic Syndromes, Hereditary; Tumor predisposition; Hereditary Cancer Syndrome; Hereditary neoplastic syndrome. Identifiers: Orphanet 140162, MedGen C0027672, MeSH D009386, MONDO:0015356.

Allele frequency attached by ClinVar (database versions not stated): gnomAD exomes below 0.00001.
gnomAD v4.1: 4 of 1,612,296 alleles (0.00025%); highest among the groups gnomAD compares: Non-Finnish European, 0.00034%; no homozygotes.

Submissions (3):

Center for Genomic Medicine, Rigshospitalet, Copenhagen University Hospital
Classification: Uncertain significance. Last evaluated: 2025-03-04. Review status: criteria provided, single submitter. Criteria: ACMG Guidelines, 2015. Collection method: clinical testing. Allele origin: germline.

Labcorp Genetics (formerly Invitae), Labcorp
Classification: Uncertain significance for DICER1-related tumor predisposition. Last evaluated: 2023-06-16. Review status: criteria provided, single submitter. Criteria: Invitae Variant Classification Sherloc (09022015). Collection method: clinical testing. Allele origin: germline.
Comment: This sequence change replaces serine, which is neutral and polar, with asparagine, which is neutral and polar, at codon 1392 of the DICER1 protein (p.Ser1392Asn). This variant is present in population databases (no rsID available, gnomAD 0.0009%). This variant has not been reported in the literature in individuals affected with DICER1-related conditions. ClinVar contains an entry for this variant (Variation ID: 543644). Advanced modeling of protein sequence and biophysical properties (such as structural, functional, and spatial information, amino acid conservation, physicochemical variation, residue mobility, and thermodynamic stability) performed at Invitae indicates that this missense variant is not expected to disrupt DICER1 protein function. In summary, the available evidence is currently insufficient to determine the role of this variant in disease. Therefore, it has been classified as a Variant of Uncertain Significance.

Ambry Genetics
Classification: Uncertain significance for Hereditary cancer-predisposing syndrome. Last evaluated: 2023-03-08. Review status: criteria provided, single submitter. Criteria: Ambry Variant Classification Scheme 2023. Collection method: clinical testing. Allele origin: germline.
Comment: The p.S1392N variant (also known as c.4175G>A), located in coding exon 21 of the DICER1 gene, results from a G to A substitution at nucleotide position 4175. The serine at codon 1392 is replaced by asparagine, an amino acid with highly similar properties. This amino acid position is highly conserved in available vertebrate species. In addition, this alteration is predicted to be tolerated by in silico analysis. Since supporting evidence is limited at this time, the clinical significance of this alteration remains unclear.

NM_177438.3(DICER1):c.4175G>A (p.Ser1392Asn)

Gene: DICER1 (dicer 1, ribonuclease III; minus strand). Cytogenetic location: 14q32.13.
Variant type: single nucleotide variant.
Coding change: c.4175G>A on transcript NM_177438.3 (MANE Select); coding-DNA position 4175, G replaced by A.
Protein change: p.Ser1392Asn; replaces serine 1392 with asparagine.
Molecular consequence: missense variant.
Genome position (GRCh38, 1-based): chr14:95,099,811, C>T on the plus strand (G>A on the coding strand, the complement: DICER1 is on the minus strand). VCF-style: chr14-95099811-C-T. GRCh37 (hg19) VCF-style: chr14-95566148-C-T.
Other names: c.4175G>A, p.Ser1392Asn (NM_001195573.1, NM_001271282.3, NM_001291628.2 and 1 more transcripts); short protein forms S1392N.
Identifiers: ClinVar variation 543644 (VCV000543644.15), dbSNP rs751216539, ClinGen allele CA390871820.
Genomic context (GRCh38, chr14:95,099,811, plus strand): 5'-CACACACACACACACACACACAAACTTACCATTTCATCTTTTTCCCATTTATCTGTGTTG[C>T]TTTTGTCTTGATTTACTACATAACCAGGAGGAAGCCAATTCACAGGGGGATCAAATATTG-3'
Protein context (NP_803187.1, residues 1382-1402): PPGYVVNQDK[Ser1392Asn]NTDKWEKDEM